The following is an entry in ClinVar:

NM_025074.7(FRAS1):c.1670C>T (p.Thr557Ile)

Gene: FRAS1 (Fraser extracellular matrix complex subunit 1; plus strand). Cytogenetic location: 4q21.21.
Variant type: single nucleotide variant.
Coding change: c.1670C>T on transcript NM_025074.7 (MANE Select); coding-DNA position 1670, C replaced by T.
Protein change: p.Thr557Ile; replaces threonine 557 with isoleucine.
Molecular consequence: missense variant.
Genome position (GRCh38, 1-based): chr4:78,308,201, C>T. VCF-style: chr4-78308201-C-T. GRCh37 (hg19) VCF-style: chr4-79229355-C-T.
Other names: c.1670C>T, p.Thr557Ile (NM_001166133.2); short protein forms T557I.
Identifiers: ClinVar variation 2004536 (VCV002004536.2), dbSNP rs753061505, ClinGen allele CA2976383.

ClinVar aggregate classification (germline): Uncertain significance (1 of 4 stars; one submission).

Allele frequency attached by ClinVar (database versions not stated): gnomAD exomes below 0.00001; ExAC 0.00001.
gnomAD v4.1: 1 of 1,613,818 alleles (0.000062%); highest among the groups gnomAD compares: South Asian, 0.0011%; no homozygotes.

Submission:

Labcorp Genetics (formerly Invitae), Labcorp
Classification: Uncertain significance. Last evaluated: 2025-06-12. Review status: criteria provided, single submitter. Criteria: Invitae Variant Classification Sherloc (09022015). Collection method: clinical testing. Allele origin: germline.
Comment: This sequence change replaces threonine, which is neutral and polar, with isoleucine, which is neutral and non-polar, at codon 557 of the FRAS1 protein (p.Thr557Ile). This variant is present in population databases (rs753061505, gnomAD 0.003%). This variant has not been reported in the literature in individuals affected with FRAS1-related conditions. ClinVar contains an entry for this variant (Variation ID: 2004536). An algorithm developed to predict the effect of missense changes on protein structure and function outputs the following: PolyPhen-2: "Benign". The isoleucine amino acid residue is found in multiple mammalian species, which suggests that this missense change does not adversely affect protein function. In summary, the available evidence is currently insufficient to determine the role of this variant in disease. Therefore, it has been classified as a Variant of Uncertain Significance.